The following is an entry in ClinVar:

ClinVar aggregate classification (germline): Benign/Likely benign. Review status: criteria provided, multiple submitters, no conflicts (2 of 4 stars). 9 submissions from 9 submitters: Benign (1); Likely benign (6). 2 of the submissions do not count toward it. Last evaluated 2026-03-01.

Conditions:
ANKRD11-related disorder. Also called: ANKRD11-related condition.
Inborn genetic diseases. Identifiers: MedGen C0950123, MeSH D030342.
KBG syndrome (KBGS). Also called: ANKRD11-Related KBG Syndrome. Identifiers: Orphanet 2332, MedGen C0220687, MONDO:0007846, OMIM 148050.

Allele frequency attached by ClinVar (database versions not stated): gnomAD exomes 0.00029 and 0.00042; TOPMed 0.00029; gnomAD 0.00033 and 0.00035; ExAC 0.00076.
gnomAD v4.1: 611 of 1,525,286 alleles (0.04%); highest among the groups gnomAD compares: Non-Finnish European, 0.051%; 1 homozygote.

Submissions (9):

CeGaT Center for Human Genetics Tuebingen
Classification: Likely benign. Last evaluated: 2026-03-01. Review status: criteria provided, single submitter. Criteria: CeGaT Center For Human Genetics Tuebingen Variant Classification Criteria Version 2. Collection method: clinical testing. Allele origin: germline. Affected: yes. Observed: 8 variant alleles.
Comment: ANKRD11: BP4, BS2

Labcorp Genetics (formerly Invitae), Labcorp
Classification: Likely benign for KBG syndrome. Last evaluated: 2025-12-24. Review status: criteria provided, single submitter. Criteria: Invitae Variant Classification Sherloc (09022015). Collection method: clinical testing. Allele origin: germline.

Laboratory of Genetics, Children's Clinical University Hospital Latvia
Classification: Benign. Last evaluated: 2025-02-16. Review status: criteria provided, single submitter. Criteria: ACMG Guidelines, 2015. Collection method: clinical testing. Allele origin: germline. Affected: yes.

Ambry Genetics
Classification: Likely benign for Inborn genetic diseases. Last evaluated: 2024-12-13. Review status: criteria provided, single submitter. Criteria: Ambry Variant Classification Scheme 2023. Collection method: clinical testing. Allele origin: germline.

Blueprint Genetics
Classification: Likely benign. Last evaluated: 2024-11-13. Review status: criteria provided, single submitter. Criteria: ACMG Guidelines, 2015. Collection method: clinical testing. Allele origin: germline.

GeneDx
Classification: Likely benign. Last evaluated: 2020-07-25. Review status: criteria provided, single submitter. Criteria: GeneDx Variant Classification Process June 2021. Collection method: clinical testing. Allele origin: germline. Affected: yes.

Genetic Services Laboratory, University of Chicago
Classification: Likely benign. Last evaluated: 2016-05-02. Review status: criteria provided, single submitter. Criteria: ACMG Guidelines, 2015. Collection method: clinical testing. Allele origin: germline. Affected: no.

PreventionGenetics, part of Exact Sciences
Classification: Likely benign for ANKRD11-related condition. Last evaluated: 2022-05-02. Review status: no assertion criteria provided. Collection method: clinical testing. Allele origin: germline. Not counted in ClinVar's aggregate classification.
Comment: This variant is classified as likely benign based on ACMG/AMP sequence variant interpretation guidelines (Richards et al. 2015 PMID: 25741868, with internal and published modifications).

Department of Pathology and Laboratory Medicine, Sinai Health System
Classification: Likely benign. Review status: no assertion criteria provided. Collection method: clinical testing. Allele origin: unknown. Affected: yes. Study: The Canadian Open Genetics Repository (COGR). Not counted in ClinVar's aggregate classification.
Comment: The ANKRD11 p.Ala2266Val variant was not identified in the literature but was identified in dbSNP (ID: rs748996527) and ClinVar (classified as likely benign by Genetic Services Laboratory, University of Chicago and CeGaT Praxis fuer Humangenetik Tuebingen). The variant was identified in control databases in 50 of 158488 chromosomes at a frequency of 0.0003155 (Genome Aggregation Database March 6, 2019, v2.1.1). The variant was observed in the following populations: European (non-Finnish) in 46 of 63862 chromosomes (freq: 0.00072), Other in 2 of 4934 chromosomes (freq: 0.000405), Ashkenazi Jewish in 1 of 7042 chromosomes (freq: 0.000142) and Latino in 1 of 24720 chromosomes (freq: 0.00004), but was not observed in the African, East Asian, European (Finnish), or South Asian populations. This frequency is greater than expected for autosomal dominant KBG syndrome (Swols_2017_PMID:29258554). The p.Ala2266 residue is not conserved in mammals and computational analyses (PolyPhen-2, SIFT, AlignGVGD, BLOSUM, MutationTaster) do not suggest a high likelihood of impact to the protein; however, this information is not predictive enough to rule out pathogenicity. The variant occurs outside of the splicing consensus sequence and in silico or computational prediction software programs (SpliceSiteFinder, MaxEntScan, NNSPLICE, GeneSplicer) do not predict a difference in splicing. In summary, based on the above information the clinical significance of this variant cannot be determined with certainty at this time although we would lean towards a more benign role for this variant. This variant is classified as likely benign.

NM_013275.6(ANKRD11):c.6797C>T (p.Ala2266Val)

Gene: ANKRD11 (ankyrin repeat domain 11; minus strand). Cytogenetic location: 16q24.3.
Variant type: single nucleotide variant.
Coding change: c.6797C>T on transcript NM_013275.6 (MANE Select); coding-DNA position 6797, C replaced by T.
Protein change: p.Ala2266Val; replaces alanine 2266 with valine.
Molecular consequence: missense variant.
Genome position (GRCh38, 1-based): chr16:89,279,745, G>A on the plus strand (C>T on the coding strand, the complement: ANKRD11 is on the minus strand). VCF-style: chr16-89279745-G-A. GRCh37 (hg19) VCF-style: chr16-89346153-G-A.
Other names: c.6797C>T, p.Ala2266Val (NM_001256182.2, NM_001256183.2); short protein forms A2266V.
Identifiers: ClinVar variation 434193 (VCV000434193.62), dbSNP rs748996527, ClinGen allele CA8241332.